The following is an entry in ClinVar:

ClinVar aggregate classification (germline): Likely benign (1 of 4 stars; one submission).

gnomAD v4.1: 1,410 of 1,614,062 alleles (0.087%); highest among the groups gnomAD compares: Non-Finnish European, 0.11%; no homozygotes.

Submission:

CeGaT Center for Human Genetics Tuebingen
Classification: Likely benign. Last evaluated: 2026-01-01. Review status: criteria provided, single submitter. Criteria: CeGaT Center For Human Genetics Tuebingen Variant Classification Criteria Version 2. Collection method: clinical testing. Allele origin: germline. Affected: yes. Observed: 1 variant allele.
Comment: TRANK1: BP4, BP7

NM_001329998.2(TRANK1):c.2856T>C (p.Ala952=)

Gene: TRANK1 (tetratricopeptide repeat and ankyrin repeat containing 1; minus strand). Cytogenetic location: 3p22.2.
Variant type: single nucleotide variant.
Coding change: c.2856T>C on transcript NM_001329998.2 (MANE Select); coding-DNA position 2856, T replaced by C.
Protein change: p.Ala952=; no amino-acid change (alanine 952 retained).
Molecular consequence: synonymous variant.
Genome position (GRCh38, 1-based): chr3:36,856,866, A>G on the plus strand (T>C on the coding strand, the complement: TRANK1 is on the minus strand). VCF-style: chr3-36856866-A-G. GRCh37 (hg19) VCF-style: chr3-36898357-A-G.
Other names: c.2724T>C, p.Ala908= (NM_014831.3).
Identifiers: ClinVar variation 4821236 (VCV004821236.4).